The following is an entry in ClinVar:

ClinVar aggregate classification (germline): Likely benign. Review status: criteria provided, multiple submitters, no conflicts (2 of 4 stars). 4 submissions from 4 submitters: Likely benign (2). 2 of the submissions do not count toward it. Last evaluated 2025-11-06.

Conditions:
IFT172-related disorder. Also called: IFT172-related condition; IFT172-related disorders.
Short-rib thoracic dysplasia 10 with or without polydactyly (SRTD10). Identifiers: Orphanet 474, MedGen C3810175, MONDO:0014284, OMIM 615630.
Retinitis pigmentosa 71 (RP71). Identifiers: Orphanet 791, MedGen C4225342, MONDO:0014618, OMIM 616394.

Allele frequency attached by ClinVar (database versions not stated): ExAC 0.00001; gnomAD 0.00001; gnomAD exomes 0.00001.
gnomAD v4.1: 14 of 1,613,390 alleles (0.00087%); highest among the groups gnomAD compares: South Asian, 0.015%; no homozygotes.

Submissions (4):

PreventionGenetics, part of Exact Sciences
Classification: Likely benign for IFT172-related condition. Last evaluated: 2025-11-06. Review status: criteria provided, single submitter. Criteria: ACMG Guidelines, 2015. Collection method: clinical testing. Allele origin: germline.
Comment: This variant is classified as likely benign based on ACMG/AMP sequence variant interpretation guidelines (Richards et al. 2015 PMID: 25741868, with internal and published modifications).

Labcorp Genetics (formerly Invitae), Labcorp
Classification: Likely benign for Retinitis pigmentosa 71; Short-rib thoracic dysplasia 10 with or without polydactyly. Last evaluated: 2025-10-08. Review status: criteria provided, single submitter. Criteria: Invitae Variant Classification Sherloc (09022015). Collection method: clinical testing. Allele origin: germline.

Clinical Genetics DNA and cytogenetics Diagnostics Lab, Erasmus MC, Erasmus Medical Center
Classification: Likely benign. Review status: no assertion criteria provided. Collection method: clinical testing. Allele origin: germline. Affected: yes. Study: VKGL Data-share Consensus. Not counted in ClinVar's aggregate classification.

Clinical Genetics, Academic Medical Center
Classification: Benign. Review status: no assertion criteria provided. Collection method: clinical testing. Allele origin: germline. Affected: yes. Study: VKGL Data-share Consensus. Not counted in ClinVar's aggregate classification.

NM_015662.3(IFT172):c.666T>C (p.Tyr222=)

Gene: IFT172 (intraflagellar transport 172; minus strand). Cytogenetic location: 2p23.3.
Variant type: single nucleotide variant.
Coding change: c.666T>C on transcript NM_015662.3 (MANE Select); coding-DNA position 666, T replaced by C.
Protein change: p.Tyr222=; no amino-acid change (tyrosine 222 retained).
Molecular consequence: synonymous variant.
Genome position (GRCh38, 1-based): chr2:27,481,165, A>G on the plus strand (T>C on the coding strand, the complement: IFT172 is on the minus strand). VCF-style: chr2-27481165-A-G. GRCh37 (hg19) VCF-style: chr2-27704032-A-G.
Other names: c.666T>C (NM_015662.2).
Identifiers: ClinVar variation 1284735 (VCV001284735.5), dbSNP rs753217975, ClinGen allele CA1580899.